The following is an entry in ClinVar:

ClinVar aggregate classification (germline): Benign. Review status: criteria provided, multiple submitters, no conflicts (2 of 4 stars). 2 submissions from 2 submitters: Benign (2). Last evaluated 2022-06-07.

Allele frequency attached by ClinVar (database versions not stated): gnomAD 0.30591 and 0.31022; ESP Exome Variant Server 0.22559; TOPMed 0.30454; 1000 Genomes Project 0.31130; 1000 Genomes Project 30x 0.31152; gnomAD exomes 0.33519 and 0.33606; ExAC 0.33668.
gnomAD v4.1: 536,498 of 1,611,186 alleles (33%); highest among the groups gnomAD compares: East Asian, 40%; 90,122 homozygotes.

Submissions (2):

Labcorp Genetics (formerly Invitae), Labcorp
Classification: Benign. Last evaluated: 2022-06-07. Review status: criteria provided, single submitter. Criteria: Invitae Variant Classification Sherloc (09022015). Collection method: clinical testing. Allele origin: germline.

GeneDx
Classification: Benign. Last evaluated: 2020-10-29. Review status: criteria provided, single submitter. Criteria: GeneDx Variant Classification Process June 2021. Collection method: clinical testing. Allele origin: germline. Affected: yes.
Comment: This variant is associated with the following publications: (PMID: 26771213)

NM_022765.4(MICAL1):c.2272G>A (p.Ala758Thr)

Gene: MICAL1 (microtubule associated monooxygenase, calponin and LIM domain containing 1; minus strand). Cytogenetic location: 6q21.
Variant type: single nucleotide variant.
Coding change: c.2272G>A on transcript NM_022765.4 (MANE Select); coding-DNA position 2272, G replaced by A.
Protein change: p.Ala758Thr; replaces alanine 758 with threonine.
Molecular consequence: missense variant.
Genome position (GRCh38, 1-based): chr6:109,446,728, C>T on the plus strand (G>A on the coding strand, the complement: MICAL1 is on the minus strand). VCF-style: chr6-109446728-C-T. GRCh37 (hg19) VCF-style: chr6-109767931-C-T.
Other names: c.2014G>A, p.Ala672Thr (NM_001159291.2); c.2329G>A, p.Ala777Thr (NM_001286613.2); short protein forms A672T, A758T, A777T.
Identifiers: ClinVar variation 1226107 (VCV001226107.11), dbSNP rs59056467, ClinGen allele CA3952993.